The following is an entry in ClinVar:

ClinVar aggregate classification (germline): Conflicting classifications of pathogenicity. Review status: criteria provided, conflicting classifications (1 of 4 stars). 2 submissions from 2 submitters: Uncertain significance (1); Likely benign (1). Last evaluated 2026-02-02.

Conditions:
C1R-related disorder. Also called: C1R-related condition.

Allele frequency attached by ClinVar (database versions not stated): gnomAD exomes 0.00006; ExAC 0.00022; 1000 Genomes Project 30x 0.00047; gnomAD 0.00049; TOPMed 0.00050; ESP Exome Variant Server 0.00058; 1000 Genomes Project 0.00080.

Submissions (2):

Women's Health and Genetics/Laboratory Corporation of America, LabCorp
Classification: Likely benign. Last evaluated: 2026-02-02. Review status: criteria provided, single submitter. Criteria: LabCorp Variant Classification Summary - May 2015. Collection method: clinical testing. Allele origin: germline.

PreventionGenetics, part of Exact Sciences
Classification: Uncertain significance for C1R-related condition. Last evaluated: 2023-02-27. Review status: criteria provided, single submitter. Criteria: ACMG Guidelines, 2015. Collection method: clinical testing. Allele origin: germline.
Comment: The C1R c.334A>G variant is predicted to result in the amino acid substitution p.Met112Val. To our knowledge, this variant has not been reported in the literature. This variant is reported in 0.13% of alleles in individuals of African descent in gnomAD, which may be too high to be causative of disease. Although we suspect that this variant may be benign, at this time, the clinical significance of this variant is uncertain due to the absence of conclusive functional and genetic evidence.

NM_001733.7(C1R):c.334A>G (p.Met112Val)

Gene: C1R (complement C1r; minus strand). Cytogenetic location: 12p13.31.
Variant type: single nucleotide variant.
Coding change: c.334A>G on transcript NM_001733.7 (MANE Select); coding-DNA position 334, A replaced by G.
Protein change: p.Met112Val; replaces methionine 112 with valine.
Molecular consequence: missense variant.
Genome position (GRCh38, 1-based): chr12:7,090,146, T>C on the plus strand (A>G on the coding strand, the complement: C1R is on the minus strand). VCF-style: chr12-7090146-T-C. GRCh37 (hg19) VCF-style: chr12-7242742-T-C.
Other names: c.376A>G, p.Met126Val (NM_001354346.2); short protein forms M112V, M126V.
Identifiers: ClinVar variation 2634200 (VCV002634200.2), dbSNP rs149665060, ClinGen allele CA6424276.